The following is an entry in ClinVar:

NM_015978.3(TNNI3K):c.115G>C (p.Glu39Gln)

Genes: FPGT-TNNI3K (FPGT-TNNI3K readthrough; plus strand), TNNI3K (TNNI3 interacting kinase; plus strand). Cytogenetic location: 1p31.1.
Variant type: single nucleotide variant.
Coding change: c.115G>C on transcript NM_015978.3 (MANE Select); coding-DNA position 115, G replaced by C.
Protein change: p.Glu39Gln; replaces glutamic acid 39 with glutamine.
Molecular consequence: missense variant.
Genome position (GRCh38, 1-based): chr1:74,236,176, G>C. VCF-style: chr1-74236176-G-C. GRCh37 (hg19) VCF-style: chr1-74701860-G-C.
Other names: c.418G>C, p.Glu140Gln (NM_001112808.3, NM_001199327.2); short protein forms E140Q, E39Q.
Identifiers: ClinVar variation 4782266 (VCV004782266.1).
Genomic context (GRCh38, chr1:74,236,176, plus strand): 5'-AAAGTCAGTGAATCATATGTTATCACAATAGAAAGATTAGAAGATGACCTGCAGATCAAG[G>C]AAAAAGAACTGACAGAACTAAGGAATATATTTGGGTAAAGTTGTAAGAGTCATTATTTCT-3'
Protein context (NP_057062.1, residues 29-49): ERLEDDLQIK[Glu39Gln]KELTELRNIF

ClinVar aggregate classification (germline): Uncertain significance (1 of 4 stars; one submission).

gnomAD v4.1: 8 of 1,607,390 alleles (0.0005%); highest among the groups gnomAD compares: Non-Finnish European, 0.00068%; no homozygotes.

Submission:

Labcorp Genetics (formerly Invitae), Labcorp
Classification: Uncertain significance. Last evaluated: 2025-09-21. Review status: criteria provided, single submitter. Criteria: Invitae Variant Classification Sherloc (09022015). Collection method: clinical testing. Allele origin: germline.
Comment: This sequence change replaces glutamic acid, which is acidic and polar, with glutamine, which is neutral and polar, at codon 39 of the TNNI3K protein (p.Glu39Gln). This variant is present in population databases (no rsID available, gnomAD 0.007%). This variant has not been reported in the literature in individuals affected with TNNI3K-related conditions. Invitae Evidence Modeling of protein sequence and biophysical properties (such as structural, functional, and spatial information, amino acid conservation, physicochemical variation, residue mobility, and thermodynamic stability) indicates that this missense variant is not expected to disrupt TNNI3K protein function with a negative predictive value of 80%. In summary, the available evidence is currently insufficient to determine the role of this variant in disease. Therefore, it has been classified as a Variant of Uncertain Significance.